The following is an entry in ClinVar:

ClinVar aggregate classification (germline): Conflicting classifications of pathogenicity. Review status: criteria provided, conflicting classifications (1 of 4 stars). 16 submissions from 16 submitters: Uncertain significance (1); Benign (4); Likely benign (8). 3 of the submissions do not count toward it. Last evaluated 2026-03-23.

Conditions:
Connective tissue disorder. Also called: Connective tissue disease. Identifiers: MedGen C0009782, MONDO:0003900.
Cardiovascular phenotype. Identifiers: MedGen CN230736.
Ehlers-Danlos syndrome (EDS). Identifiers: Orphanet 98249, MedGen C0013720, MONDO:0020066.
COL1A1-related disorder. Also called: COL1A1- related disease; COL1A1-related condition.
Osteogenesis imperfecta type I (OI1). Also called: OI, TYPE I; OSTEOGENESIS IMPERFECTA TARDA; OSTEOGENESIS IMPERFECTA WITH BLUE SCLERAE; Osteogenesis imperfecta type 1; Lobstein disease; Lobstein's Disease. Identifiers: Orphanet 216796, Orphanet 666, MedGen C0023931, MONDO:0008146, OMIM 166200. Disease mechanism: loss of function.

Allele frequency attached by ClinVar (database versions not stated): 1000 Genomes Project 30x 0.00031; 1000 Genomes Project 0.00040; TOPMed 0.00047; ESP Exome Variant Server 0.00062; gnomAD exomes 0.00064; ExAC 0.00073.
gnomAD v4.1: 1,244 of 1,613,176 alleles (0.077%); highest among the groups gnomAD compares: Non-Finnish European, 0.082%; no homozygotes.

Submissions (16):

Women's Health and Genetics/Laboratory Corporation of America, LabCorp
Classification: Likely benign. Last evaluated: 2026-03-23. Review status: criteria provided, single submitter. Criteria: LabCorp Variant Classification Summary - May 2015. Collection method: clinical testing. Allele origin: germline.
Comment: Variant summary: COL1A1 c.4018G>A (p.Gly1340Ser) results in a non-conservative amino acid change in the encoded protein sequence. Algorithms developed to predict the effect of missense changes on protein structure and function are either unavailable or do not agree on the potential impact of this missense change. The variant allele was found at a frequency of 0.00064 in 248680 control chromosomes, predominantly at a frequency of 0.00078 within the Non-Finnish European subpopulation in the gnomAD database. The observed variant frequency within Non-Finnish European control individuals in the gnomAD database exceeds the estimated maximal expected allele frequency for disease-causing variants in COL1A1. c.4018G>A has been reported in the literature in individuals affected with Osteogenesis Imperfecta or Ehlers-Danlos Syndrome without strong evidence of causality (Symoens_2014, Lindert_2016, Leino_2017). These reports do not provide unequivocal conclusions about association of the variant with Osteogenesis Imperfecta. To our knowledge, no experimental evidence demonstrating an impact on protein function has been reported. The following publications have been ascertained in the context of this evaluation (PMID: 25146735, 27380894, 28748566). ClinVar contains an entry for this variant (Variation ID: 235708). Based on the evidence outlined above, the variant was classified as likely benign.

Labcorp Genetics (formerly Invitae), Labcorp
Classification: Benign for Osteogenesis imperfecta type I. Last evaluated: 2026-01-25. Review status: criteria provided, single submitter. Criteria: Invitae Variant Classification Sherloc (09022015). Collection method: clinical testing. Allele origin: germline.

CeGaT Center for Human Genetics Tuebingen
Classification: Likely benign. Last evaluated: 2025-07-01. Review status: criteria provided, single submitter. Criteria: CeGaT Center For Human Genetics Tuebingen Variant Classification Criteria Version 2. Collection method: clinical testing. Allele origin: germline. Affected: yes. Observed: 2 variant alleles.
Comment: COL1A1: BP4

Blueprint Genetics
Classification: Likely benign. Last evaluated: 2024-10-18. Review status: criteria provided, single submitter. Criteria: ACMG Guidelines, 2015. Collection method: clinical testing. Allele origin: germline.

ARUP Laboratories, Molecular Genetics and Genomics, ARUP Laboratories
Classification: Likely benign. Last evaluated: 2024-09-16. Review status: criteria provided, single submitter. Criteria: ARUP Molecular Germline Variant Investigation Process 2024. Collection method: clinical testing. Allele origin: germline.

Athena Diagnostics
Classification: Benign. Last evaluated: 2024-07-05. Review status: criteria provided, single submitter. Criteria: Athena Diagnostics Criteria. Collection method: clinical testing. Allele origin: unknown.

GeneDx
Classification: Likely benign. Last evaluated: 2020-01-03. Review status: criteria provided, single submitter. Criteria: GeneDx Variant Classification Process June 2021. Collection method: clinical testing. Allele origin: germline. Affected: yes.
Comment: This variant is associated with the following publications: (PMID: 25146735, 28748566)

Genome Diagnostics Laboratory, The Hospital for Sick Children
Classification: Likely benign for Ehlers-Danlos syndrome. Last evaluated: 2020-01-01. Review status: criteria provided, single submitter. Criteria: ACMG Guidelines, 2015. Collection method: clinical testing. Allele origin: germline.

Mayo Clinic Laboratories, Mayo Clinic
Classification: Benign. Last evaluated: 2019-11-06. Review status: criteria provided, single submitter. Criteria: ACMG Guidelines, 2015. Collection method: clinical testing. Allele origin: germline. Observed: 11 variant alleles.

Ambry Genetics
Classification: Benign for Cardiovascular phenotype. Last evaluated: 2019-07-22. Review status: criteria provided, single submitter. Criteria: Ambry Variant Classification Scheme 2023. Collection method: clinical testing. Allele origin: germline.

Eurofins Ntd Llc (ga)
Classification: Likely benign. Last evaluated: 2017-08-24. Review status: criteria provided, single submitter. Criteria: EGL Classification Definitions 2015. Collection method: clinical testing. Allele origin: germline. Observed: 1 variant allele, 1 heterozygote.

Center for Human Genetics, Inc
Classification: Likely benign for Connective tissue disorder. Last evaluated: 2016-11-01. Review status: criteria provided, single submitter. Criteria: ACMG Guidelines, 2015. Collection method: clinical testing. Allele origin: germline. Affected: yes.

Center for Pediatric Genomic Medicine, Children's Mercy Hospital and Clinics
Classification: Uncertain significance. Last evaluated: 2016-01-21. Review status: criteria provided, single submitter. Criteria: ACMG Guidelines, 2015. Collection method: clinical testing. Allele origin: germline.
ClinVar note: Converted during submission from Uncertain Significance to Uncertain significance.

PreventionGenetics, part of Exact Sciences
Classification: Likely benign for COL1A1-related condition. Last evaluated: 2019-10-30. Review status: no assertion criteria provided. Collection method: clinical testing. Allele origin: germline. Not counted in ClinVar's aggregate classification.
Comment: This variant is classified as likely benign based on ACMG/AMP sequence variant interpretation guidelines (Richards et al. 2015 PMID: 25741868, with internal and published modifications).

Clinical Genetics DNA and cytogenetics Diagnostics Lab, Erasmus MC, Erasmus Medical Center
Classification: Likely benign. Review status: no assertion criteria provided. Collection method: clinical testing. Allele origin: germline. Affected: yes. Study: VKGL Data-share Consensus. Not counted in ClinVar's aggregate classification.

Genome Diagnostics Laboratory, Amsterdam University Medical Center
Classification: Likely benign. Review status: no assertion criteria provided. Collection method: clinical testing. Allele origin: germline. Affected: yes. Study: VKGL Data-share Consensus. Not counted in ClinVar's aggregate classification.

Literature cited by the submitters: PubMed 28748566 (cited by Women's Health and Genetics/Laboratory Corporation of America, LabCorp and Athena Diagnostics); PubMed 37076969 (cited by Women's Health and Genetics/Laboratory Corporation of America, LabCorp); PubMed 33161638 (cited by Women's Health and Genetics/Laboratory Corporation of America, LabCorp and Athena Diagnostics); PubMed 27380894 (cited by 3 submitters); PubMed 25146735 (cited by Women's Health and Genetics/Laboratory Corporation of America, LabCorp and Athena Diagnostics); PubMed 40879644 (cited by Women's Health and Genetics/Laboratory Corporation of America, LabCorp); PubMed 24147872 (cited by Women's Health and Genetics/Laboratory Corporation of America, LabCorp); PubMed 23001006 (cited by Women's Health and Genetics/Laboratory Corporation of America, LabCorp).

NM_000088.4(COL1A1):c.4018G>A (p.Gly1340Ser)

Gene: COL1A1 (collagen type I alpha 1 chain; minus strand). Cytogenetic location: 17q21.33.
Variant type: single nucleotide variant.
Coding change: c.4018G>A on transcript NM_000088.4 (MANE Select); coding-DNA position 4018, G replaced by A.
Protein change: p.Gly1340Ser; replaces glycine 1340 with serine.
Molecular consequence: missense variant.
Genome position (GRCh38, 1-based): chr17:50,186,008, C>T on the plus strand (G>A on the coding strand, the complement: COL1A1 is on the minus strand). VCF-style: chr17-50186008-C-T. GRCh37 (hg19) VCF-style: chr17-48263369-C-T.
Other names: p.Gly1340Ser; short protein forms G1340S.
Identifiers: ClinVar variation 235708 (VCV000235708.52), dbSNP rs147936946, ClinGen allele CA8644271.